The following is an entry in ClinVar:

NM_030962.4(SBF2):c.2183G>C (p.Ser728Thr)

Genes: SBF2 (SET binding factor 2; minus strand), LOC101928008 (uncharacterized LOC101928008; plus strand). Cytogenetic location: 11p15.4.
Variant type: single nucleotide variant.
Coding change: c.2183G>C on transcript NM_030962.4 (MANE Select); coding-DNA position 2183, G replaced by C.
Protein change: p.Ser728Thr; replaces serine 728 with threonine.
Molecular consequence: missense variant.
Genome position (GRCh38, 1-based): chr11:9,856,638, C>G on the plus strand (G>C on the coding strand, the complement: SBF2 is on the minus strand). VCF-style: chr11-9856638-C-G. GRCh37 (hg19) VCF-style: chr11-9878185-C-G.
Other names: c.2183G>C, p.Ser728Thr (NM_001386339.1); c.2054G>C, p.Ser685Thr (NM_001386342.1); short protein forms S728T, S685T.
Identifiers: ClinVar variation 853110 (VCV000853110.8), dbSNP rs751653396, ClinGen allele CA5881613.

ClinVar aggregate classification (germline): Uncertain significance (1 of 4 stars; one submission).

Conditions:
Charcot-Marie-Tooth disease type 4. Also called: Charcot-Marie-Tooth disease, type IV; Charcot-Marie-Tooth, Type 4. Identifiers: Orphanet 64749, MedGen C4082197, MONDO:0018995.

Allele frequency attached by ClinVar (database versions not stated): ExAC 0.00001; TOPMed 0.00001; gnomAD 0.00004 and 0.00005.
gnomAD v4.1: 22 of 1,614,078 alleles (0.0014%); highest among the groups gnomAD compares: Non-Finnish European, 0.0014%; no homozygotes.

Submission:

Labcorp Genetics (formerly Invitae), Labcorp
Classification: Uncertain significance for Charcot-Marie-Tooth disease type 4. Last evaluated: 2023-05-22. Review status: criteria provided, single submitter. Criteria: Invitae Variant Classification Sherloc (09022015). Collection method: clinical testing. Allele origin: germline.
Comment: This variant has not been reported in the literature in individuals affected with SBF2-related conditions. In summary, the available evidence is currently insufficient to determine the role of this variant in disease. Therefore, it has been classified as a Variant of Uncertain Significance. Advanced modeling of protein sequence and biophysical properties (such as structural, functional, and spatial information, amino acid conservation, physicochemical variation, residue mobility, and thermodynamic stability) performed at Invitae indicates that this missense variant is not expected to disrupt SBF2 protein function. ClinVar contains an entry for this variant (Variation ID: 853110). This variant is present in population databases (rs751653396, gnomAD 0.005%). This sequence change replaces serine, which is neutral and polar, with threonine, which is neutral and polar, at codon 728 of the SBF2 protein (p.Ser728Thr).